The following is an entry in ClinVar:

ClinVar aggregate classification (germline): Uncertain significance (1 of 4 stars; one submission).

Conditions:
Isolated microphthalmia 4. Identifiers: Orphanet 2542, MedGen C2751307, MONDO:0013130, OMIM 613094.
Klippel-Feil syndrome 1, autosomal dominant (KFS1). Also called: CERVICAL VERTEBRAL FUSION, AUTOSOMAL DOMINANT. Identifiers: Orphanet 2345, MedGen C1861689, MONDO:0007306, OMIM 118100.
Leber congenital amaurosis 17 (LCA17). Identifiers: Orphanet 65, MedGen C3715164, MONDO:0014145, OMIM 615360.
Microphthalmia, isolated, with coloboma 6 (MCOPCB6). Also called: Microphthalmia with coloboma 6, digenic; Microphthalmia with coloboma 6; MICROPHTHALMIA/COLOBOMA 6. Identifiers: Orphanet 98938, MedGen C3150968, MONDO:0013376, OMIM 613703.

Allele frequency attached by ClinVar (database versions not stated): TOPMed 0.00001.
gnomAD v4.1: 8 of 1,613,724 alleles (0.0005%); highest among the groups gnomAD compares: Middle Eastern, 0.017%; no homozygotes.

Submission:

Labcorp Genetics (formerly Invitae), Labcorp
Classification: Uncertain significance for Isolated microphthalmia 4; Leber congenital amaurosis 17; Klippel-Feil syndrome 1, autosomal dominant; Microphthalmia, isolated, with coloboma 6. Last evaluated: 2022-09-10. Review status: criteria provided, single submitter. Criteria: Invitae Variant Classification Sherloc (09022015). Collection method: clinical testing. Allele origin: germline.
Comment: This sequence change replaces leucine, which is neutral and non-polar, with phenylalanine, which is neutral and non-polar, at codon 20 of the GDF6 protein (p.Leu20Phe). In summary, the available evidence is currently insufficient to determine the role of this variant in disease. Therefore, it has been classified as a Variant of Uncertain Significance. Algorithms developed to predict the effect of missense changes on protein structure and function are either unavailable or do not agree on the potential impact of this missense change (SIFT: "Deleterious"; PolyPhen-2: "Benign"; Align-GVGD: "Class C0"). This variant has not been reported in the literature in individuals affected with GDF6-related conditions. This variant is not present in population databases (gnomAD no frequency).

NM_001001557.4(GDF6):c.60G>T (p.Leu20Phe)

Gene: GDF6 (growth differentiation factor 6; minus strand). Cytogenetic location: 8q22.1.
Variant type: single nucleotide variant.
Coding change: c.60G>T on transcript NM_001001557.4 (MANE Select); coding-DNA position 60, G replaced by T.
Protein change: p.Leu20Phe; replaces leucine 20 with phenylalanine.
Molecular consequence: missense variant.
Genome position (GRCh38, 1-based): chr8:96,160,633, C>A on the plus strand (G>T on the coding strand, the complement: GDF6 is on the minus strand). VCF-style: chr8-96160633-C-A. GRCh37 (hg19) VCF-style: chr8-97172861-C-A.
Other names: short protein forms L20F.
Identifiers: ClinVar variation 2163315 (VCV002163315.4), dbSNP rs760057321, ClinGen allele CA371754035.